The following is an entry in ClinVar:

ClinVar aggregate classification (germline): Uncertain significance (1 of 4 stars; one submission).

gnomAD v4.1: 5 of 1,582,638 alleles (0.00032%); highest among the groups gnomAD compares: Admixed American, 0.0035%; no homozygotes.

Submission:

Labcorp Genetics (formerly Invitae), Labcorp
Classification: Uncertain significance. Last evaluated: 2024-11-12. Review status: criteria provided, single submitter. Criteria: Invitae Variant Classification Sherloc (09022015). Collection method: clinical testing. Allele origin: germline.
Comment: This sequence change replaces alanine, which is neutral and non-polar, with valine, which is neutral and non-polar, at codon 11 of the MNX1 protein (p.Ala11Val). The frequency data for this variant in the population databases is considered unreliable, as metrics indicate poor data quality at this position in the gnomAD database. This variant has not been reported in the literature in individuals affected with MNX1-related conditions. Invitae Evidence Modeling of protein sequence and biophysical properties (such as structural, functional, and spatial information, amino acid conservation, physicochemical variation, residue mobility, and thermodynamic stability) indicates that this missense variant is expected to disrupt MNX1 protein function with a positive predictive value of 80%. In summary, the available evidence is currently insufficient to determine the role of this variant in disease. Therefore, it has been classified as a Variant of Uncertain Significance.

NM_005515.4(MNX1):c.32C>T (p.Ala11Val)

Gene: MNX1 (motor neuron and pancreas homeobox 1; minus strand). Cytogenetic location: 7q36.3.
Variant type: single nucleotide variant.
Coding change: c.32C>T on transcript NM_005515.4 (MANE Select); coding-DNA position 32, C replaced by T.
Protein change: p.Ala11Val; replaces alanine 11 with valine.
Molecular consequence: missense variant.
Genome position (GRCh38, 1-based): chr7:157,010,319, G>A on the plus strand (C>T on the coding strand, the complement: MNX1 is on the minus strand). VCF-style: chr7-157010319-G-A. GRCh37 (hg19) VCF-style: chr7-156803013-G-A.
Other names: short protein forms A11V.
Identifiers: ClinVar variation 3708057 (VCV003708057.2).